The following is an entry in ClinVar:

ClinVar aggregate classification (germline): Likely benign. Review status: criteria provided, multiple submitters, no conflicts (2 of 4 stars). 3 submissions from 3 submitters: Likely benign (2). 1 of the submissions does not count toward it. Last evaluated 2024-11-26.

Conditions:
Primary hyperoxaluria, type I (HP1). Also called: GLYCOLIC ACIDURIA; HEPATIC AGT DEFICIENCY; Primary hyperoxaluria type 1; OXALOSIS I. Identifiers: Orphanet 416, Orphanet 93598, MedGen C0268164, MONDO:0009823, OMIM 259900. Disease mechanism: loss of function.

Allele frequency attached by ClinVar (database versions not stated): 1000 Genomes Project 30x 0.00078; 1000 Genomes Project 0.00080; TOPMed 0.00365; gnomAD exomes 0.00391 and 0.00653; gnomAD 0.00394 and 0.00409; ESP Exome Variant Server 0.00425; ExAC 0.00684.

Submissions (3):

Blueprint Genetics
Classification: Likely benign. Last evaluated: 2024-11-26. Review status: criteria provided, single submitter. Criteria: ACMG Guidelines, 2015. Collection method: clinical testing. Allele origin: germline.

Illumina Laboratory Services, Illumina
Classification: Likely benign for Primary hyperoxaluria, type I. Last evaluated: 2018-01-13. Review status: criteria provided, single submitter. Criteria: ICSL Variant Classification Criteria 13 December 2019. Collection method: clinical testing. Allele origin: germline.
Comment: This variant was observed in the ICSL laboratory as part of a predisposition screen in an ostensibly healthy population. It had not been previously curated by ICSL or reported in the Human Gene Mutation Database (HGMD: prior to June 1st, 2018), and was therefore a candidate for classification through an automated scoring system. Utilizing variant allele frequency, disease prevalence and penetrance estimates, and inheritance mode, an automated score was calculated to assess if this variant is too frequent to cause the disease. Based on the score and internal cut-off values, a variant classified as likely benign is not then subjected to further curation. The score for this variant resulted in a classification of likely benign for this disease.

Clinical Biochemistry Laboratory, Health Services Laboratory
Classification: Uncertain significance for Primary hyperoxaluria, type I. Last evaluated: 2014-11-27. Review status: no assertion criteria provided. Collection method: research. Allele origin: germline. Affected: yes. Not counted in ClinVar's aggregate classification.

Literature cited by the submitters: PubMed 19479957 (cited by Clinical Biochemistry Laboratory, Health Services Laboratory).

NM_000030.3(AGXT):c.*19G>A

Gene: AGXT (alanine--glyoxylate aminotransferase; plus strand). Cytogenetic location: 2q37.3.
Variant type: single nucleotide variant.
Coding change: c.*19G>A on transcript NM_000030.3 (MANE Select); 19 bases downstream of the stop codon, G replaced by A.
Molecular consequence: 3 prime UTR variant.
Genome position (GRCh38, 1-based): chr2:240,878,840, G>A. VCF-style: chr2-240878840-G-A. GRCh37 (hg19) VCF-style: chr2-241818257-G-A.
Identifiers: ClinVar variation 204062 (VCV000204062.7), dbSNP rs143458283, ClinGen allele CA275610.